The following is an entry in ClinVar:

NM_014334.4(FRRS1L):c.521A>G (p.His174Arg)

Gene: FRRS1L (ferric chelate reductase 1 like; minus strand). Cytogenetic location: 9q31.3.
Variant type: single nucleotide variant.
Coding change: c.521A>G on transcript NM_014334.4 (MANE Select); coding-DNA position 521, A replaced by G.
Protein change: p.His174Arg; replaces histidine 174 with arginine.
Molecular consequence: missense variant.
Genome position (GRCh38, 1-based): chr9:109,141,531, T>C on the plus strand (A>G on the coding strand, the complement: FRRS1L is on the minus strand). VCF-style: chr9-109141531-T-C. GRCh37 (hg19) VCF-style: chr9-111903811-T-C.
Other names: short protein forms H174R.
Identifiers: ClinVar variation 1000834 (VCV001000834.8), dbSNP rs1021563907, ClinGen allele CA197563265.
Genomic context (GRCh38, chr9:109,141,531, plus strand): 5'-TCTTCATCTCTGGCAGGGTTTCTCTGAATCTCCTTTGCCCACTGGCCTACATTATAGAAG[T>C]GCTGTATGCGGACCCTGCCATTGTCATCATGGACGCAGGCCATGACATCATCACCACCCT-3'
Protein context (NP_055149.3, residues 164-184): HDDNGRVRIQ[His174Arg]FYNVGQWAKE

ClinVar aggregate classification (germline): Uncertain significance. Review status: criteria provided, multiple submitters, no conflicts (2 of 4 stars). 3 submissions from 3 submitters: Uncertain significance (3). Last evaluated 2023-12-07.

Conditions:
Developmental and epileptic encephalopathy, 37 (DEE37). Also called: Epileptic encephalopathy, early infantile, 37. Identifiers: MedGen C4310770, MONDO:0014859, OMIM 616981.
Inborn genetic diseases. Identifiers: MedGen C0950123, MeSH D030342.

Allele frequency attached by ClinVar (database versions not stated): gnomAD 0.00001; gnomAD exomes 0.00002; TOPMed 0.00003.

Submissions (3):

Ambry Genetics
Classification: Uncertain significance for Inborn genetic diseases. Last evaluated: 2023-12-07. Review status: criteria provided, single submitter. Criteria: Ambry Variant Classification Scheme 2023. Collection method: clinical testing. Allele origin: germline.

Labcorp Genetics (formerly Invitae), Labcorp
Classification: Uncertain significance for Developmental and epileptic encephalopathy, 37. Last evaluated: 2021-09-16. Review status: criteria provided, single submitter. Criteria: Invitae Variant Classification Sherloc (09022015). Collection method: clinical testing. Allele origin: germline.
Comment: This sequence change replaces histidine with arginine at codon 225 of the FRRS1L protein (p.His225Arg). The histidine residue is highly conserved and there is a small physicochemical difference between histidine and arginine. This variant is not present in population databases (ExAC no frequency). This variant has not been reported in the literature in individuals affected with FRRS1L-related conditions. Algorithms developed to predict the effect of missense changes on protein structure and function are either unavailable or do not agree on the potential impact of this missense change (SIFT: "Tolerated"; PolyPhen-2: "Possibly Damaging"; Align-GVGD: "Class C0"). In summary, the available evidence is currently insufficient to determine the role of this variant in disease. Therefore, it has been classified as a Variant of Uncertain Significance.

GeneDx
Classification: Uncertain significance. Last evaluated: 2019-07-18. Review status: criteria provided, single submitter. Criteria: GeneDx Variant Classification Process June 2021. Collection method: clinical testing. Allele origin: germline. Affected: yes.
Comment: Not observed in large population cohorts (Lek et al., 2016); In silico analysis, which includes protein predictors and evolutionary conservation, supports that this variant does not alter protein structure/function; Has not been previously published as pathogenic or benign to our knowledge